The following is an entry in ClinVar:

ClinVar aggregate classification (germline): Likely benign. Review status: criteria provided, multiple submitters, no conflicts (2 of 4 stars). 2 submissions from 2 submitters: Likely benign (2). Last evaluated 2025-08-20.

Conditions:
Tuberous sclerosis 1 (TSC1). Identifiers: Orphanet 805, MedGen C1854465, MONDO:0008612, OMIM 191100.

Submissions (2):

Labcorp Genetics (formerly Invitae), Labcorp
Classification: Likely benign for Tuberous sclerosis 1. Last evaluated: 2025-08-20. Review status: criteria provided, single submitter. Criteria: Invitae Variant Classification Sherloc (09022015). Collection method: clinical testing. Allele origin: germline.

Myriad Genetics, Inc.
Classification: Likely benign for Tuberous sclerosis 1. Last evaluated: 2025-04-09. Review status: criteria provided, single submitter. Criteria: Myriad Autosomal Dominant, Autosomal Recessive and X-Linked Classification Criteria (2023). Collection method: clinical testing. Allele origin: unknown.
Comment: This variant is considered likely benign. This variant is intronic and is not expected to impact mRNA splicing.

NM_000368.5(TSC1):c.1030-20G>T

Gene: TSC1 (TSC complex subunit 1; minus strand). Cytogenetic location: 9q34.13.
Variant type: single nucleotide variant.
Coding change: c.1030-20G>T on transcript NM_000368.5 (MANE Select); 20 bases into the intron before coding-DNA position 1030, G replaced by T.
Molecular consequence: intron variant.
Genome position (GRCh38, 1-based): chr9:132,911,133, C>A on the plus strand (G>T on the coding strand, the complement: TSC1 is on the minus strand). VCF-style: chr9-132911133-C-A. GRCh37 (hg19) VCF-style: chr9-135786520-C-A.
Other names: c.667-20G>T (NM_001362177.2); c.877-20G>T (NM_001162427.2); c.1030-20G>T (NM_001162426.2).
Identifiers: ClinVar variation 1670618 (VCV001670618.9), dbSNP rs2131966081, ClinGen allele CA2573144234.
Genomic context (GRCh38, chr9:132,911,133, plus strand): 5'-GTGGTCATACCACAAACCATAGATGGGCTCCAAAGAGTAGCCTGGGAAGTTAATAAAGTA[C>A]ATCAGCAGTGGCAAAGGAATGCTAAGTCATCCACGAGGTTTATATCCATGGCCAGTGTTC-3'